The following is an entry in ClinVar:

NM_024685.4(BBS10):c.691T>C (p.Ser231Pro)

Gene: BBS10 (Bardet-Biedl syndrome 10; minus strand). Cytogenetic location: 12q21.2.
Variant type: single nucleotide variant.
Coding change: c.691T>C on transcript NM_024685.4 (MANE Select); coding-DNA position 691, T replaced by C.
Protein change: p.Ser231Pro; replaces serine 231 with proline.
Molecular consequence: missense variant.
Genome position (GRCh38, 1-based): chr12:76,347,294, A>G on the plus strand (T>C on the coding strand, the complement: BBS10 is on the minus strand). VCF-style: chr12-76347294-A-G. GRCh37 (hg19) VCF-style: chr12-76741074-A-G.
Other names: c.691T>C (NM_024685.3); short protein forms S231P.
Identifiers: ClinVar variation 1492527 (VCV001492527.5), dbSNP rs777951931, ClinGen allele CA6694300.

ClinVar aggregate classification (germline): Uncertain significance. Review status: criteria provided, multiple submitters, no conflicts (2 of 4 stars). 3 submissions from 3 submitters: Uncertain significance (3). Last evaluated 2026-02-19.

Conditions:
BBS10-related disorder. Also called: BBS10-related condition.
Bardet-Biedl syndrome (BBS). Identifiers: Orphanet 110, MedGen C0752166, MONDO:0015229.

Allele frequency attached by ClinVar (database versions not stated): TOPMed below 0.00001; ExAC 0.00001; gnomAD exomes 0.00001.
gnomAD v4.1: 8 of 1,613,948 alleles (0.0005%); highest among the groups gnomAD compares: African/African-American, 0.0013%; no homozygotes.

Submissions (3):

PreventionGenetics, part of Exact Sciences
Classification: Uncertain significance for BBS10-related condition. Last evaluated: 2026-02-19. Review status: criteria provided, single submitter. Criteria: ACMG Guidelines, 2015. Collection method: clinical testing. Allele origin: germline.
Comment: The BBS10 c.691T>C variant is predicted to result in the amino acid substitution p.Ser231Pro. To our knowledge, this variant has not been reported in the literature. This variant is reported in 0.0018% of alleles in individuals of European (Non-Finnish) descent in gnomAD. At this time, the clinical significance of this variant is uncertain due to the absence of conclusive functional and genetic evidence.

Blueprint Genetics
Classification: Uncertain significance. Last evaluated: 2024-10-18. Review status: criteria provided, single submitter. Criteria: ACMG Guidelines, 2015. Collection method: clinical testing. Allele origin: germline.

Labcorp Genetics (formerly Invitae), Labcorp
Classification: Uncertain significance for Bardet-Biedl syndrome. Last evaluated: 2021-11-17. Review status: criteria provided, single submitter. Criteria: Invitae Variant Classification Sherloc (09022015). Collection method: clinical testing. Allele origin: germline.
Comment: This sequence change replaces serine, which is neutral and polar, with proline, which is neutral and non-polar, at codon 231 of the BBS10 protein (p.Ser231Pro). This variant is present in population databases (rs777951931, gnomAD 0.002%). This variant has not been reported in the literature in individuals affected with BBS10-related conditions. Algorithms developed to predict the effect of missense changes on protein structure and function are either unavailable or do not agree on the potential impact of this missense change (SIFT: "Deleterious"; PolyPhen-2: "Probably Damaging"; Align-GVGD: "Class C0"). In summary, the available evidence is currently insufficient to determine the role of this variant in disease. Therefore, it has been classified as a Variant of Uncertain Significance.